The following is an entry in ClinVar:

NM_012210.4(TRIM32):c.1687C>T (p.Arg563Cys)

Genes: ASTN2 (astrotactin 2; minus strand), TRIM32 (tripartite motif containing 32; plus strand). Cytogenetic location: 9q33.1.
Variant type: single nucleotide variant.
Coding change: c.1687C>T on transcript NM_012210.4 (MANE Select); coding-DNA position 1687, C replaced by T.
Protein change: p.Arg563Cys; replaces arginine 563 with cysteine.
Molecular consequence: missense variant. On other transcripts: intron variant (3).
Genome position (GRCh38, 1-based): chr9:116,699,429, C>T. VCF-style: chr9-116699429-C-T. GRCh37 (hg19) VCF-style: chr9-119461708-C-T.
Other names: c.1687C>T, p.Arg563Cys (NM_001379048.1, NM_001379049.1, NM_001379050.1 and 1 more transcripts); c.2653+26342G>A (NM_014010.5); c.2794+26342G>A (NM_001365069.1); c.2806+26342G>A (NM_001365068.1); short protein forms R563C.
Identifiers: ClinVar variation 2050686 (VCV002050686.4), dbSNP rs1274265404, ClinGen allele CA374652220.
Genomic context (GRCh38, chr9:116,699,429, plus strand): 5'-GAGCACCACCTGGAGGGTGGCTTTTCCATTGGCTCTGTAGGCCCTGATGGGCAGCTGGGT[C>T]GCCAGATTAGCCACTTCTTCTCGGAGAATGAGGATTTCCGCTGCATTGCTGGCATGTGTG-3'
Protein context (NP_036342.2, residues 553-573): GSVGPDGQLG[Arg563Cys]QISHFFSENE

ClinVar aggregate classification (germline): Uncertain significance. Review status: criteria provided, multiple submitters, no conflicts (2 of 4 stars). 3 submissions from 3 submitters: Uncertain significance (3). Last evaluated 2024-10-22.

Conditions:
Bardet-Biedl syndrome (BBS). Identifiers: Orphanet 110, MedGen C0752166, MONDO:0015229.
TRIM32-related disorder. Also called: TRIM32-related condition.

Allele frequency attached by ClinVar (database versions not stated): TOPMed 0.00001.
gnomAD v4.1: 8 of 1,614,134 alleles (0.0005%); highest among the groups gnomAD compares: African/African-American, 0.0013%; no homozygotes.

Submissions (3):

PreventionGenetics, part of Exact Sciences
Classification: Uncertain significance for TRIM32-related condition. Last evaluated: 2024-10-22. Review status: criteria provided, single submitter. Criteria: ACMG Guidelines, 2015. Collection method: clinical testing. Allele origin: germline.
Comment: The TRIM32 c.1687C>T variant is predicted to result in the amino acid substitution p.Arg563Cys. To our knowledge, this variant has not been reported in the literature. This variant is reported in 0.0062% of alleles in individuals of African descent in gnomAD. At this time, the clinical significance of this variant is uncertain due to the absence of conclusive functional and genetic evidence.

Labcorp Genetics (formerly Invitae), Labcorp
Classification: Uncertain significance for Bardet-Biedl syndrome. Last evaluated: 2022-06-27. Review status: criteria provided, single submitter. Criteria: Invitae Variant Classification Sherloc (09022015). Collection method: clinical testing. Allele origin: germline.
Comment: This sequence change replaces arginine, which is basic and polar, with cysteine, which is neutral and slightly polar, at codon 563 of the TRIM32 protein (p.Arg563Cys). This variant is present in population databases (no rsID available, gnomAD 0.007%). This variant has not been reported in the literature in individuals affected with TRIM32-related conditions. Algorithms developed to predict the effect of missense changes on protein structure and function are either unavailable or do not agree on the potential impact of this missense change (SIFT: "Deleterious"; PolyPhen-2: "Benign"; Align-GVGD: "Class C55"). In summary, the available evidence is currently insufficient to determine the role of this variant in disease. Therefore, it has been classified as a Variant of Uncertain Significance.

Blueprint Genetics
Classification: Uncertain significance. Last evaluated: 2019-05-23. Review status: criteria provided, single submitter. Criteria: ACMG Guidelines, 2015. Collection method: clinical testing. Allele origin: germline.